The following is an entry in ClinVar:

NM_002900.3(RBP3):c.2947G>A (p.Glu983Lys)

Gene: RBP3 (retinol binding protein 3; plus strand). Cytogenetic location: 10q11.22.
Variant type: single nucleotide variant.
Coding change: c.2947G>A on transcript NM_002900.3 (MANE Select); coding-DNA position 2947, G replaced by A.
Protein change: p.Glu983Lys; replaces glutamic acid 983 with lysine.
Molecular consequence: missense variant.
Genome position (GRCh38, 1-based): chr10:47,351,431, G>A. VCF-style: chr10-47351431-G-A. GRCh37 (hg19) VCF-style: chr10-48387931-C-T.
Other names: c.2947G>A (NM_002900.2); short protein forms E983K.
Identifiers: ClinVar variation 1502012 (VCV001502012.10), dbSNP rs782295621, ClinGen allele CA5487169.

ClinVar aggregate classification (germline): Uncertain significance. Review status: criteria provided, multiple submitters, no conflicts (2 of 4 stars). 3 submissions from 3 submitters: Uncertain significance (3). Last evaluated 2025-11-19.

Conditions:
Inborn genetic diseases. Identifiers: MedGen C0950123, MeSH D030342.

Allele frequency attached by ClinVar (database versions not stated): gnomAD exomes 0.00001 and 0.00002; TOPMed 0.00001; ExAC 0.00002.
gnomAD v4.1: 12 of 1,613,778 alleles (0.00074%); highest among the groups gnomAD compares: African/African-American, 0.004%; no homozygotes.

Submissions (3):

Ambry Genetics
Classification: Uncertain significance for Inborn genetic diseases. Last evaluated: 2025-11-19. Review status: criteria provided, single submitter. Criteria: Ambry Variant Classification Scheme 2023. Collection method: clinical testing. Allele origin: germline.

Labcorp Genetics (formerly Invitae), Labcorp
Classification: Uncertain significance. Last evaluated: 2021-04-23. Review status: criteria provided, single submitter. Criteria: Invitae Variant Classification Sherloc (09022015). Collection method: clinical testing. Allele origin: germline.
Comment: This variant is present in population databases (rs782295621, ExAC 0.02%). This sequence change replaces glutamic acid with lysine at codon 983 of the RBP3 protein (p.Glu983Lys). The glutamic acid residue is moderately conserved and there is a small physicochemical difference between glutamic acid and lysine. In summary, the available evidence is currently insufficient to determine the role of this variant in disease. Therefore, it has been classified as a Variant of Uncertain Significance. Algorithms developed to predict the effect of missense changes on protein structure and function (SIFT, PolyPhen-2, Align-GVGD) all suggest that this variant is likely to be tolerated, but these predictions have not been confirmed by published functional studies and their clinical significance is uncertain. This variant has not been reported in the literature in individuals with RBP3-related conditions.

Blueprint Genetics
Classification: Uncertain significance. Last evaluated: 2019-11-26. Review status: criteria provided, single submitter. Criteria: ACMG Guidelines, 2015. Collection method: clinical testing. Allele origin: germline.